The following is an entry in ClinVar:

ClinVar aggregate classification (germline): Likely benign. Review status: criteria provided, single submitter (1 of 4 stars). 2 submissions from 2 submitters: Likely benign (1). 1 of the submissions does not count toward it. Last evaluated 2025-09-21.

Conditions:
COLGALT1-related disorder. Also called: COLGALT1-related condition.

Allele frequency attached by ClinVar (database versions not stated): gnomAD 0.00007; ESP Exome Variant Server 0.00008; TOPMed 0.00009; gnomAD exomes 0.00012; ExAC 0.00020; 1000 Genomes Project 30x 0.00047; 1000 Genomes Project 0.00060.

Submissions (2):

Labcorp Genetics (formerly Invitae), Labcorp
Classification: Likely benign. Last evaluated: 2025-09-21. Review status: criteria provided, single submitter. Criteria: Invitae Variant Classification Sherloc (09022015). Collection method: clinical testing. Allele origin: germline.

PreventionGenetics, part of Exact Sciences
Classification: Likely benign for COLGALT1-related condition. Last evaluated: 2022-07-29. Review status: no assertion criteria provided. Collection method: clinical testing. Allele origin: germline. Not counted in ClinVar's aggregate classification.
Comment: This variant is classified as likely benign based on ACMG/AMP sequence variant interpretation guidelines (Richards et al. 2015 PMID: 25741868, with internal and published modifications).

NM_024656.4(COLGALT1):c.489+10T>G

Gene: COLGALT1 (collagen beta(1-O)galactosyltransferase 1; plus strand). Cytogenetic location: 19p13.11.
Variant type: single nucleotide variant.
Coding change: c.489+10T>G on transcript NM_024656.4 (MANE Select); 10 bases into the intron after coding-DNA position 489, T replaced by G.
Molecular consequence: intron variant.
Genome position (GRCh38, 1-based): chr19:17,560,475, T>G. VCF-style: chr19-17560475-T-G. GRCh37 (hg19) VCF-style: chr19-17671284-T-G.
Other names: c.489+10T>G (NM_024656.3).
Identifiers: ClinVar variation 2046589 (VCV002046589.6), dbSNP rs184365202, ClinGen allele CA9296914.